The following is an entry in ClinVar:

NM_000038.6(APC):c.5430T>G (p.Asp1810Glu)

Gene: APC (APC regulator of Wnt signaling pathway; plus strand). Cytogenetic location: 5q22.2.
Variant type: single nucleotide variant.
Coding change: c.5430T>G on transcript NM_000038.6 (MANE Select); coding-DNA position 5430, T replaced by G.
Protein change: p.Asp1810Glu; replaces aspartic acid 1810 with glutamic acid.
Molecular consequence: missense variant.
Genome position (GRCh38, 1-based): chr5:112,841,024, T>G. VCF-style: chr5-112841024-T-G. GRCh37 (hg19) VCF-style: chr5-112176721-T-G.
Other names: c.5430T>G, p.Asp1810Glu (NM_001127510.3, NM_001354895.2); c.5376T>G, p.Asp1792Glu (NM_001127511.3); c.5484T>G, p.Asp1828Glu (NM_001354896.2); c.5460T>G, p.Asp1820Glu (NM_001354897.2); c.5355T>G, p.Asp1785Glu (NM_001354898.2); c.5346T>G, p.Asp1782Glu (NM_001354899.2); c.5307T>G, p.Asp1769Glu (NM_001354900.2); c.5253T>G, p.Asp1751Glu (NM_001354901.2); and 5 more; short protein forms D1792E, D1810E, D1684E, D1527E, D1650E, D1782E, D1820E, D1828E.
Identifiers: ClinVar variation 188182 (VCV000188182.24), dbSNP rs149828124, ClinGen allele CA010403.

ClinVar aggregate classification (germline): Uncertain significance. Review status: criteria provided, multiple submitters, no conflicts (2 of 4 stars). 8 submissions from 8 submitters: Uncertain significance (6). 2 of the submissions do not count toward it. Last evaluated 2026-01-06.

Conditions:
Classic or attenuated familial adenomatous polyposis. Identifiers: MedGen CN372698, MONDO:0021057.
Hereditary cancer-predisposing syndrome. Also called: Neoplastic Syndromes, Hereditary; Tumor predisposition; Hereditary Cancer Syndrome; Hereditary neoplastic syndrome. Identifiers: Orphanet 140162, MedGen C0027672, MeSH D009386, MONDO:0015356.
Familial adenomatous polyposis 1 (FAP1). Also called: FAMILIAL ADENOMATOUS POLYPOSIS 1, ATTENUATED; POLYPOSIS, ADENOMATOUS INTESTINAL. Identifiers: MedGen C2713442, MONDO:0021056, OMIM 175100. Disease mechanism: loss of function.

Allele frequency attached by ClinVar (database versions not stated): gnomAD exomes below 0.00001; ExAC 0.00001; gnomAD 0.00001; TOPMed 0.00003; ESP Exome Variant Server 0.00015.
gnomAD v4.1: 4 of 1,610,858 alleles (0.00025%); highest among the groups gnomAD compares: African/African-American, 0.0053%; no homozygotes.

Submissions (8):

Labcorp Genetics (formerly Invitae), Labcorp
Classification: Uncertain significance for Familial adenomatous polyposis 1. Last evaluated: 2026-01-06. Review status: criteria provided, single submitter. Criteria: Invitae Variant Classification Sherloc (09022015). Collection method: clinical testing. Allele origin: germline.
Comment: This sequence change replaces aspartic acid, which is acidic and polar, with glutamic acid, which is acidic and polar, at codon 1810 of the APC protein (p.Asp1810Glu). This variant is not present in population databases (gnomAD no frequency). This missense change has been observed in individual(s) with colorectal cancer (PMID: 28944238). ClinVar contains an entry for this variant (Variation ID: 188182). Invitae Evidence Modeling of protein sequence and biophysical properties (such as structural, functional, and spatial information, amino acid conservation, physicochemical variation, residue mobility, and thermodynamic stability) indicates that this missense variant is not expected to disrupt APC protein function with a negative predictive value of 95%. In summary, the available evidence is currently insufficient to determine the role of this variant in disease. Therefore, it has been classified as a Variant of Uncertain Significance.

GeneDx
Classification: Uncertain significance. Last evaluated: 2025-01-06. Review status: criteria provided, single submitter. Criteria: GeneDx Variant Classification Process June 2021. Collection method: clinical testing. Allele origin: germline. Affected: yes.
Comment: Not observed at significant frequency in large population cohorts (gnomAD); In silico analysis indicates that this missense variant does not alter protein structure/function; Identified in a patient with colorectal cancer in published literature (PMID: 28944238); This variant is associated with the following publications: (PMID: 18199528, 28944238)

Ambry Genetics
Classification: Uncertain significance for Hereditary cancer-predisposing syndrome. Last evaluated: 2024-04-13. Review status: criteria provided, single submitter. Criteria: Ambry Variant Classification Scheme 2023. Collection method: clinical testing. Allele origin: germline.
Comment: The p.D1810E variant (also known as c.5430T>G), located in coding exon 15 of the APC gene, results from a T to G substitution at nucleotide position 5430. The aspartic acid at codon 1810 is replaced by glutamic acid, an amino acid with highly similar properties. This alteration was identified in a cohort of individuals with colorectal cancer undergoing multi-gene panel testing (DeRycke MS et al. Mol Genet Genomic Med, 2017 Sep;5:553-569). This amino acid position is highly conserved in available vertebrate species. In addition, in silico predictors for this gene do not accurately predict pathogenicity. Since supporting evidence is limited at this time, the clinical significance of this alteration remains unclear.

All of Us Research Program, National Institutes of Health
Classification: Uncertain significance for Classic or attenuated familial adenomatous polyposis. Last evaluated: 2023-08-15. Review status: criteria provided, single submitter. Criteria: ACMG Guidelines, 2015. Collection method: clinical testing. Allele origin: germline. Inheritance: Autosomal dominant inheritance. Observed: 1 variant allele, 1 heterozygote.
Comment: This missense variant replaces aspartic acid with glutamic acid at codon 1810 of the APC protein. Computational prediction suggests that this variant may not impact protein structure and function (internally defined REVEL score threshold <= 0.5, PMID: 27666373). To our knowledge, functional studies have not been reported for this variant. This variant has been reported in an individual affected with colorectal cancer (PMID: 28944238). This variant has been identified in 1/249670 chromosomes in the general population by the Genome Aggregation Database (gnomAD). The available evidence is insufficient to determine the role of this variant in disease conclusively. Therefore, this variant is classified as a Variant of Uncertain Significance.

This study involves interpretation of variants in research participants for the purpose of population health screening. Participant phenotype was not available at the time of variant classification. Additional details can be found in publication PMID: 35346344, PMCID: PMC8962531

Quest Diagnostics Nichols Institute San Juan Capistrano
Classification: Uncertain significance. Last evaluated: 2023-05-07. Review status: criteria provided, single submitter. Criteria: Quest Diagnostics criteria. Collection method: clinical testing. Allele origin: unknown.
Comment: The frequency of this variant in the general population, 0.000004 (1/249670 chromosomes), is uninformative in assessment of its pathogenicity. In the published literature, the variant has been reported in affected individuals with colorectal cancer (PMID: 28944238 (2017)). Analysis of this variant using bioinformatics tools for the prediction of the effect of amino acid changes on protein structure and function yielded conflicting predictions that this variant is deleterious or benign. Based on the available information, we are unable to determine the clinical significance of this variant.

Myriad Genetics, Inc.
Classification: Uncertain significance for Familial adenomatous polyposis 1. Last evaluated: 2023-02-15. Review status: criteria provided, single submitter. Criteria: Myriad Autosomal Dominant, Autosomal Recessive and X-Linked Classification Criteria (2023). Collection method: clinical testing. Allele origin: unknown.
Comment: This variant is classified as a variant of uncertain significance as there is insufficient evidence to determine its impact on protein function and/or cancer risk.

Counsyl
Classification: Uncertain significance for Familial adenomatous polyposis 1. Last evaluated: 2017-03-21. Review status: no assertion criteria provided. Collection method: clinical testing. Allele origin: unknown. Not counted in ClinVar's aggregate classification.

Mayo Clinic Laboratories, Mayo Clinic
Classification: Likely benign. Review status: no assertion criteria provided. Collection method: clinical testing. Allele origin: unknown. Not counted in ClinVar's aggregate classification.

Literature cited by the submitters: PubMed 28944238 (cited by 4 submitters).